The following is an entry in ClinVar:

ClinVar aggregate classification (germline): Uncertain significance (1 of 4 stars; one submission).

Conditions:
Developmental and epileptic encephalopathy, 53. Also called: Epileptic encephalopathy, early infantile, 53. Identifiers: MedGen C4479313, MONDO:0033362, OMIM 617389.
Early-onset Parkinson disease 20. Also called: PARKINSON DISEASE 20, AUTOSOMAL RECESSIVE EARLY-ONSET. Identifiers: Orphanet 391411, MedGen C3809824, MONDO:0014233, OMIM 615530.

Allele frequency attached by ClinVar (database versions not stated): gnomAD exomes below 0.00001.
gnomAD v4.1: 1 of 1,613,980 alleles (0.000062%); highest among the groups gnomAD compares: Non-Finnish European, 0.000085%; no homozygotes.

Submission:

Labcorp Genetics (formerly Invitae), Labcorp
Classification: Uncertain significance for Developmental and epileptic encephalopathy, 53; Early-onset Parkinson disease 20. Last evaluated: 2024-11-11. Review status: criteria provided, single submitter. Criteria: Invitae Variant Classification Sherloc (09022015). Collection method: clinical testing. Allele origin: germline.
Comment: This sequence change replaces serine, which is neutral and polar, with arginine, which is basic and polar, at codon 1264 of the SYNJ1 protein (p.Ser1264Arg). This variant is not present in population databases (gnomAD no frequency). This variant has not been reported in the literature in individuals affected with SYNJ1-related conditions. ClinVar contains an entry for this variant (Variation ID: 1504166). An algorithm developed to predict the effect of missense changes on protein structure and function (PolyPhen-2) suggests that this variant¬¨‚Ä†is likely to be tolerated. In summary, the available evidence is currently insufficient to determine the role of this variant in disease. Therefore, it has been classified as a Variant of Uncertain Significance.

NM_203446.3(SYNJ1):c.3675C>G (p.Ser1225Arg)

Gene: SYNJ1 (synaptojanin 1; minus strand). Cytogenetic location: 21q22.11.
Variant type: single nucleotide variant.
Coding change: c.3675C>G on transcript NM_203446.3 (MANE Select); coding-DNA position 3675, C replaced by G.
Protein change: p.Ser1225Arg; replaces serine 1225 with arginine.
Molecular consequence: missense variant.
Genome position (GRCh38, 1-based): chr21:32,639,693, G>C on the plus strand (C>G on the coding strand, the complement: SYNJ1 is on the minus strand). VCF-style: chr21-32639693-G-C. GRCh37 (hg19) VCF-style: chr21-34012003-G-C.
Other names: c.3627C>G, p.Ser1209Arg (NM_001160302.2); c.3534C>G, p.Ser1178Arg (NM_001160306.2); c.3792C>G, p.Ser1264Arg (NM_003895.4); short protein forms S1178R, S1264R, S1209R, S1225R.
Identifiers: ClinVar variation 1504166 (VCV001504166.5), dbSNP rs2145725639, ClinGen allele CA410087648.